The following is an entry in ClinVar:

ClinVar aggregate classification (germline): Uncertain significance (1 of 4 stars; one submission).

Submission:

GeneDx
Classification: Uncertain significance. Last evaluated: 2022-10-27. Review status: criteria provided, single submitter. Criteria: GeneDx Variant Classification Process June 2021. Collection method: clinical testing. Allele origin: germline. Affected: yes.
Comment: Not observed in large population cohorts (gnomAD); In silico analysis supports that this missense variant has a deleterious effect on protein structure/function; Has not been previously published as pathogenic or benign to our knowledge

NM_001372044.2(SHANK3):c.4169A>C (p.Asn1390Thr)

Gene: SHANK3 (SH3 and multiple ankyrin repeat domains 3; plus strand). Cytogenetic location: 22q13.33.
Variant type: single nucleotide variant.
Coding change: c.4169A>C on transcript NM_001372044.2 (MANE Select); coding-DNA position 4169, A replaced by C.
Protein change: p.Asn1390Thr; replaces asparagine 1390 with threonine.
Molecular consequence: missense variant.
Genome position (GRCh38, 1-based): chr22:50,721,777, A>C. VCF-style: chr22-50721777-A-C. GRCh37 (hg19) VCF-style: chr22-51160205-A-C.
Other names: c.3944A>C, p.Asn1315Thr (NM_033517.1); short protein forms N1315T, N1390T.
Identifiers: ClinVar variation 2446164 (VCV002446164.1), dbSNP rs1035562102, ClinGen allele CA515263458.